The following is an entry in ClinVar:

ClinVar aggregate classification (germline): Uncertain significance. Review status: criteria provided, multiple submitters, no conflicts (2 of 4 stars). 2 submissions from 2 submitters: Uncertain significance (2). Last evaluated 2026-01-04.

Conditions:
Combined oxidative phosphorylation defect type 14. Also called: Combined oxidative phosphorylation deficiency 14. Identifiers: Orphanet 319519, MedGen C4755312, MONDO:0013986, OMIM 614946.

Allele frequency attached by ClinVar (database versions not stated): ExAC 0.00002; gnomAD exomes 0.00002; TOPMed 0.00002.
gnomAD v4.1: 18 of 1,614,038 alleles (0.0011%); highest among the groups gnomAD compares: Middle Eastern, 0.049%; no homozygotes.

Submissions (2):

Labcorp Genetics (formerly Invitae), Labcorp
Classification: Uncertain significance for Combined oxidative phosphorylation defect type 14. Last evaluated: 2026-01-04. Review status: criteria provided, single submitter. Criteria: Invitae Variant Classification Sherloc (09022015). Collection method: clinical testing. Allele origin: germline.
Comment: This sequence change replaces alanine, which is neutral and non-polar, with threonine, which is neutral and polar, at codon 166 of the FARS2 protein (p.Ala166Thr). This variant is present in population databases (rs764932724, gnomAD 0.006%). This variant has not been reported in the literature in individuals affected with FARS2-related conditions. ClinVar contains an entry for this variant (Variation ID: 214328). Invitae Evidence Modeling of protein sequence and biophysical properties (such as structural, functional, and spatial information, amino acid conservation, physicochemical variation, residue mobility, and thermodynamic stability) indicates that this missense variant is not expected to disrupt FARS2 protein function with a negative predictive value of 80%. In summary, the available evidence is currently insufficient to determine the role of this variant in disease. Therefore, it has been classified as a Variant of Uncertain Significance.

GeneDx
Classification: Uncertain significance. Last evaluated: 2025-02-25. Review status: criteria provided, single submitter. Criteria: GeneDx Variant Classification Process June 2021. Collection method: clinical testing. Allele origin: germline. Affected: yes.
Comment: Not observed at significant frequency in large population cohorts (gnomAD); In silico analysis indicates that this missense variant does not alter protein structure/function; Has not been previously published as pathogenic or benign to our knowledge

NM_006567.5(FARS2):c.496G>A (p.Ala166Thr)

Genes: FARS2 (phenylalanyl-tRNA synthetase 2, mitochondrial; plus strand), LOC126859565 (CDK7 strongly-dependent group 2 enhancer GRCh37_chr6:5368745-5369944; plus strand). Cytogenetic location: 6p25.1.
Variant type: single nucleotide variant.
Coding change: c.496G>A on transcript NM_006567.5 (MANE Select); coding-DNA position 496, G replaced by A.
Protein change: p.Ala166Thr; replaces alanine 166 with threonine.
Molecular consequence: missense variant. On other transcripts: intron variant (2).
Genome position (GRCh38, 1-based): chr6:5,369,066, G>A. VCF-style: chr6-5369066-G-A. GRCh37 (hg19) VCF-style: chr6-5369299-G-A.
Other names: p.A166T:GCG>ACG; c.496G>A, p.Ala166Thr (NM_001318872.2, NM_001374875.1, NM_001374876.1 and 5 more transcripts); c.-340-27567G>A (NM_001375260.1); c.-84-35476G>A (NM_001375259.1); short protein forms A166T.
Identifiers: ClinVar variation 214328 (VCV000214328.9), dbSNP rs764932724, ClinGen allele CA322451.